The following is an entry in ClinVar:

NM_153676.4(USH1C):c.1874C>T (p.Ala625Val)

Gene: USH1C (USH1 protein network component harmonin; minus strand). Cytogenetic location: 11p15.1.
Variant type: single nucleotide variant.
Coding change: c.1874C>T on transcript NM_153676.4 (MANE Select); coding-DNA position 1874, C replaced by T.
Protein change: p.Ala625Val; replaces alanine 625 with valine.
Molecular consequence: missense variant. On other transcripts: intron variant (2).
Genome position (GRCh38, 1-based): chr11:17,509,495, G>A on the plus strand (C>T on the coding strand, the complement: USH1C is on the minus strand). VCF-style: chr11-17509495-G-A. GRCh37 (hg19) VCF-style: chr11-17531042-G-A.
Other names: c.1228-7515C>T (NM_001297764.2); c.1285-7515C>T (NM_005709.4); short protein forms A625V.
Identifiers: ClinVar variation 179877 (VCV000179877.6), dbSNP rs727505187, ClinGen allele CA185327.

ClinVar aggregate classification (germline): Uncertain significance. Review status: criteria provided, single submitter (1 of 4 stars). 2 submissions from 2 submitters: Uncertain significance (1). 1 of the submissions does not count toward it. Last evaluated 2014-07-24.

Conditions:
Autosomal recessive nonsyndromic hearing loss 18A. Also called: Deafness, autosomal recessive 18A; DEAFNESS, AUTOSOMAL RECESSIVE 18. Identifiers: Orphanet 90636, MedGen C1865870, MONDO:0011192, OMIM 602092.
Usher syndrome type 1C. Also called: USHER SYNDROME, TYPE I, ACADIAN VARIETY. Identifiers: Orphanet 231169, Orphanet 886, MedGen C1848604, MONDO:0010171, OMIM 276904.

Allele frequency attached by ClinVar (database versions not stated): gnomAD exomes below 0.00001 and 0.00001; gnomAD 0.00001; ExAC 0.00002; TOPMed 0.00002.
gnomAD v4.1: 13 of 1,609,308 alleles (0.00081%); highest among the groups gnomAD compares: East Asian, 0.0067%; no homozygotes.

Submissions (2):

Laboratory for Molecular Medicine, Mass General Brigham Personalized Medicine
Classification: Uncertain significance. Last evaluated: 2014-07-24. Review status: criteria provided, single submitter. Criteria: LMM Criteria. Collection method: clinical testing. Allele origin: germline. Observed: 1 variant allele.
Comment: Variant classified as Uncertain Significance - Favor Benign. The Ala625Val varia nt in USH1C has not been previously reported in individuals with hearing loss or in large population studies. Alanine (Ala) at position 625 is not conserved in mammals or evolutionarily distant species and one mammal (gorilla) carries a val ine (Val), raising the possibility that this change may be tolerated. Additional computational prediction tools suggest that this variant may not impact the pro tein, though this information is not predictive enough to rule out pathogenicity . In summary, while the clinical significance of the Ala625Val variant is uncert ain, these data suggest that it is more likely to be benign.

Counsyl
Classification: Uncertain significance for Usher syndrome type 1C; Autosomal recessive nonsyndromic hearing loss 18A. Last evaluated: 2017-10-04. Review status: no assertion criteria provided. Collection method: clinical testing. Allele origin: unknown. Not counted in ClinVar's aggregate classification.